The following is an entry in ClinVar:

NM_201384.3(PLEC):c.12647G>A (p.Arg4216His)

Gene: PLEC (plectin; minus strand). Cytogenetic location: 8q24.3.
Variant type: single nucleotide variant.
Coding change: c.12647G>A on transcript NM_201384.3 (MANE Select); coding-DNA position 12647, G replaced by A.
Protein change: p.Arg4216His; replaces arginine 4216 with histidine.
Molecular consequence: missense variant.
Genome position (GRCh38, 1-based): chr8:143,917,174, C>T on the plus strand (G>A on the coding strand, the complement: PLEC is on the minus strand). VCF-style: chr8-143917174-C-T. GRCh37 (hg19) VCF-style: chr8-144991342-C-T.
Other names: c.12728G>A, p.Arg4243His (NM_000445.5); c.12605G>A, p.Arg4202His (NM_201378.4); c.12581G>A, p.Arg4194His (NM_201379.3); c.13058G>A, p.Arg4353His (NM_201380.4); c.12551G>A, p.Arg4184His (NM_201381.3); c.12647G>A, p.Arg4216His (NM_201382.4); c.12659G>A, p.Arg4220His (NM_201383.3); c.12728G>A (NM_000445.3); short protein forms R4243H, R4353H, R4216H, R4184H, R4194H, R4202H, R4220H.
Identifiers: ClinVar variation 471535 (VCV000471535.19), dbSNP rs151106439, ClinGen allele CA4924029.

ClinVar aggregate classification (germline): Uncertain significance. Review status: criteria provided, multiple submitters, no conflicts (2 of 4 stars). 4 submissions from 4 submitters: Uncertain significance (4). Last evaluated 2025-11-03.

Conditions:
PLEC-related disorder. Also called: PLEC-related disorders; PLEC-related condition.
Autosomal recessive limb-girdle muscular dystrophy type 2Q (LGMDR17). Also called: MUSCULAR DYSTROPHY, LIMB-GIRDLE, AUTOSOMAL RECESSIVE 17. Identifiers: Orphanet 254361, MedGen C3150989, MONDO:0013390, OMIM 613723.
Epidermolysis bullosa simplex 5C, with pyloric atresia (EBS5C). Also called: PLEC-Related Epidermolysis Bullosa with Pyloric Atresia; Epidermolysis bullosa simplex with pyloric atresia; PLEC1-Related Epidermolysis Bullosa with Pyloric Atresia. Identifiers: Orphanet 158684, MedGen C2677349, MONDO:0012807, OMIM 612138.
Epidermolysis bullosa simplex, Ogna type (EBS5A). Also called: Pidermolysis bullosa simplex 5A, Ogna type; EPIDERMOLYSIS BULLOSA SIMPLEX 5A, OGNA TYPE. Identifiers: Orphanet 79401, MedGen C0432317, MONDO:0007555, OMIM 131950.
Epidermolysis bullosa simplex 5B, with muscular dystrophy (EBS5B). Also called: EPIDERMOLYSIS BULLOSA SIMPLEX AND LIMB-GIRDLE MUSCULAR DYSTROPHY; Epidermolysis bullosa simplex with muscular dystrophy. Identifiers: Orphanet 257, MedGen C2931072, MONDO:0009181, OMIM 226670.
Epidermolysis bullosa simplex with nail dystrophy (EBS5D). Identifiers: MedGen C4225309, MONDO:0014661, OMIM 616487.

Allele frequency attached by ClinVar (database versions not stated): gnomAD 0.00011 and 0.00012; gnomAD exomes 0.00015 and 0.00017; ESP Exome Variant Server 0.00024; 1000 Genomes Project 30x 0.00031; 1000 Genomes Project 0.00040; ExAC 0.00016; TOPMed 0.00022.
gnomAD v4.1: 240 of 1,611,836 alleles (0.015%); highest among the groups gnomAD compares: East Asian, 0.23%; 1 homozygote.

Submissions (4):

Labcorp Genetics (formerly Invitae), Labcorp
Classification: Uncertain significance for Autosomal recessive limb-girdle muscular dystrophy type 2Q; Epidermolysis bullosa simplex, Ogna type; Epidermolysis bullosa simplex with nail dystrophy; Epidermolysis bullosa simplex 5C, with pyloric atresia; Epidermolysis bullosa simplex 5B, with muscular dystrophy. Last evaluated: 2025-11-03. Review status: criteria provided, single submitter. Criteria: Invitae Variant Classification Sherloc (09022015). Collection method: clinical testing. Allele origin: germline.
Comment: This sequence change replaces arginine, which is basic and polar, with histidine, which is basic and polar, at codon 4243 of the PLEC protein (p.Arg4243His). This variant is present in population databases (rs151106439, gnomAD 0.1%). This variant has not been reported in the literature in individuals affected with PLEC-related conditions. ClinVar contains an entry for this variant (Variation ID: 471535). Invitae Evidence Modeling of protein sequence and biophysical properties (such as structural, functional, and spatial information, amino acid conservation, physicochemical variation, residue mobility, and thermodynamic stability) indicates that this missense variant is not expected to disrupt PLEC protein function with a negative predictive value of 80%. In summary, the available evidence is currently insufficient to determine the role of this variant in disease. Therefore, it has been classified as a Variant of Uncertain Significance.

Blueprint Genetics
Classification: Uncertain significance. Last evaluated: 2023-11-21. Review status: criteria provided, single submitter. Criteria: ACMG Guidelines, 2015. Collection method: clinical testing. Allele origin: germline.

PreventionGenetics, part of Exact Sciences
Classification: Uncertain significance for PLEC-related condition. Last evaluated: 2022-10-06. Review status: criteria provided, single submitter. Criteria: ACMG Guidelines, 2015. Collection method: clinical testing. Allele origin: germline.
Comment: The PLEC c.12728G>A variant is predicted to result in the amino acid substitution p.Arg4243His. To our knowledge, this variant has not been reported in the literature. This variant is reported in 0.11% of alleles in individuals of East Asian descent in gnomAD, which is likely too common for an undocumented disease-causing variant. Although we suspect that this variant may be benign, at this time, the clinical significance of this variant is uncertain due to the absence of conclusive functional and genetic evidence.

Athena Diagnostics
Classification: Uncertain significance. Last evaluated: 2022-10-05. Review status: criteria provided, single submitter. Criteria: Athena Diagnostics Criteria. Collection method: clinical testing. Allele origin: unknown.
Comment: Available data are insufficient to determine the clinical significance of the variant at this time. The frequency of this variant in the general population is higher than would generally be expected for pathogenic variants in this gene. Computational tools predict that this variant is not damaging.

Literature cited by the submitters: PubMed 26498160 (cited by Athena Diagnostics).